The following is an entry in ClinVar:

NM_203447.4(DOCK8):c.4070C>A (p.Ser1357Ter)

Gene: DOCK8 (dedicator of cytokinesis 8; plus strand). Cytogenetic location: 9p24.3.
Variant type: single nucleotide variant.
Coding change: c.4070C>A on transcript NM_203447.4 (MANE Select); coding-DNA position 4070, C replaced by A.
Protein change: p.Ser1357Ter; replaces serine 1357 with a stop codon.
Molecular consequence: nonsense.
Genome position (GRCh38, 1-based): chr9:420,995, C>A. VCF-style: chr9-420995-C-A. GRCh37 (hg19) VCF-style: chr9-420995-C-A.
Other names: c.3770C>A, p.Ser1257Ter (NM_001190458.2); c.3866C>A, p.Ser1289Ter (NM_001193536.2); short protein forms S1289*, S1357*, S1257*.
Identifiers: ClinVar variation 2136719 (VCV002136719.4), dbSNP rs2538795130, ClinGen allele CA372764367.

ClinVar aggregate classification (germline): Pathogenic (1 of 4 stars; one submission).

Conditions:
Combined immunodeficiency due to DOCK8 deficiency (HIES2). Also called: DOCK8 Deficiency; HYPER-IgE RECURRENT INFECTION SYNDROME 2, AUTOSOMAL RECESSIVE; HYPER-IgE SYNDROME 2, AUTOSOMAL RECESSIVE, WITH RECURRENT INFECTIONS; HIES autosomal recessive; Hyper-IgE recurrent infection syndrome, autosomal recessive. Identifiers: Orphanet 217390, MedGen C4722305, MONDO:0009478, OMIM 243700.

Submission:

Labcorp Genetics (formerly Invitae), Labcorp
Classification: Pathogenic for Combined immunodeficiency due to DOCK8 deficiency. Last evaluated: 2025-04-14. Review status: criteria provided, single submitter. Criteria: Invitae Variant Classification Sherloc (09022015). Collection method: clinical testing. Allele origin: germline.
Comment: This sequence change creates a premature translational stop signal (p.Ser1357*) in the DOCK8 gene. It is expected to result in an absent or disrupted protein product. Loss-of-function variants in DOCK8 are known to be pathogenic (PMID: 14722525, 19776401). This variant is not present in population databases (gnomAD no frequency). This premature translational stop signal has been observed in individual(s) with clinical features of DOCK8-related conditions (PMID: 22534316, 30697212). ClinVar contains an entry for this variant (Variation ID: 2136719). Algorithms developed to predict the effect of sequence changes on RNA splicing suggest that this variant may disrupt the consensus splice site. For these reasons, this variant has been classified as Pathogenic.

Literature cited by the submitters: PubMed 14722525; PubMed 19776401; PubMed 22534316; PubMed 30697212.